The following is an entry in ClinVar:

ClinVar aggregate classification (germline): Uncertain significance. Review status: criteria provided, multiple submitters, no conflicts (2 of 4 stars). 6 submissions from 6 submitters: Uncertain significance (6). Last evaluated 2025-12-16.

Conditions:
Familial thoracic aortic aneurysm and aortic dissection (TAAD). Also called: Thoracic aortic aneurysms and dissections. Identifiers: Orphanet 91387, MedGen C4707243, MONDO:0019625.
Marfan syndrome (MFS). Also called: FBN1-Related Marfan Syndrome; Marfan syndrome type 1; Marfan's syndrome; Marfan syndrome, classic; MARFAN SYNDROME, TYPE I. Identifiers: Orphanet 284963, Orphanet 558, MedGen C0024796, MONDO:0007947, OMIM 154700.

Allele frequency attached by ClinVar (database versions not stated): gnomAD 0.00001; TOPMed 0.00001.
gnomAD v4.1: 55 of 1,613,904 alleles (0.0034%); highest among the groups gnomAD compares: Non-Finnish European, 0.0047%; no homozygotes.

Submissions (6):

Labcorp Genetics (formerly Invitae), Labcorp
Classification: Uncertain significance for Marfan syndrome; Familial thoracic aortic aneurysm and aortic dissection. Last evaluated: 2025-12-16. Review status: criteria provided, single submitter. Criteria: Invitae Variant Classification Sherloc (09022015). Collection method: clinical testing. Allele origin: germline.
Comment: This sequence change replaces alanine, which is neutral and non-polar, with threonine, which is neutral and polar, at codon 162 of the FBN1 protein (p.Ala162Thr). This variant is present in population databases (rs193922210, gnomAD 0.007%). This variant has not been reported in the literature in individuals affected with FBN1-related conditions. ClinVar contains an entry for this variant (Variation ID: 36083). Invitae Evidence Modeling of protein sequence and biophysical properties (such as structural, functional, and spatial information, amino acid conservation, physicochemical variation, residue mobility, and thermodynamic stability) indicates that this missense variant is expected to disrupt FBN1 protein function with a positive predictive value of 80%. In summary, the available evidence is currently insufficient to determine the role of this variant in disease. Therefore, it has been classified as a Variant of Uncertain Significance.

Color Diagnostics, LLC DBA Color Health
Classification: Uncertain significance for Familial thoracic aortic aneurysm and aortic dissection. Last evaluated: 2025-05-05. Review status: criteria provided, single submitter. Criteria: ACMG Guidelines, 2015. Collection method: clinical testing. Allele origin: germline.
Comment: This missense variant replaces alanine with threonine at codon 162 of the FBN1 protein. Computational prediction tool is inconclusive regarding the impact of this variant on protein structure and function. To our knowledge, functional studies have not been reported for this variant. This variant has not been reported in individuals affected with FBN1-related disorders in the literature. This variant has been identified in 1/31398 chromosomes in the general population by the Genome Aggregation Database (gnomAD). The available evidence is insufficient to determine the role of this variant in disease conclusively. Therefore, this variant is classified as a Variant of Uncertain Significance.

Women's Health and Genetics/Laboratory Corporation of America, LabCorp
Classification: Uncertain significance. Last evaluated: 2024-04-02. Review status: criteria provided, single submitter. Criteria: LabCorp Variant Classification Summary - May 2015. Collection method: clinical testing. Allele origin: germline.
Comment: Variant summary: FBN1 c.484G>A (p.Ala162Thr) results in a non-conservative amino acid change located in the EGF-like domain (IPR000742) of the encoded protein sequence. Five of five in-silico tools predict a damaging effect of the variant on protein function. The variant was absent in 251390 control chromosomes (gnomAD). The available data on variant occurrences in the general population are insufficient to allow any conclusion about variant significance. To our knowledge, no occurrences of c.484G>A in individuals affected with Marfan Syndrome and no experimental evidence demonstrating an impact on protein function have been reported in the literature. The following publication has been ascertained in the context of this evaluation (PMID: 27906200). ClinVar contains an entry for this variant (Variation ID: 36083). Based on the evidence outlined above, the variant was classified as uncertain significance.

GeneDx
Classification: Uncertain significance. Last evaluated: 2023-11-16. Review status: criteria provided, single submitter. Criteria: GeneDx Variant Classification Process June 2021. Collection method: clinical testing. Allele origin: germline. Affected: yes.
Comment: Reported in published literature but detailed clinical information is not provided (PMID: 27906200); Not observed at significant frequency in large population cohorts (gnomAD); Although located in a calcium-binding EGF-like domain of the FBN1 gene, it does not affect a cysteine residue within this domain; cysteine substitutions in the calcium-binding EGF-like domains represent the majority of pathogenic missense changes associated with FBN1-related disorders (PMID: 12938084); In silico analysis supports that this missense variant does not alter protein structure/function; This variant is associated with the following publications: (PMID: 31227806, 27906200, 12938084)

All of Us Research Program, National Institutes of Health
Classification: Uncertain significance for Marfan syndrome. Last evaluated: 2023-06-28. Review status: criteria provided, single submitter. Criteria: ACMG Guidelines, 2015. Collection method: clinical testing. Allele origin: germline. Inheritance: Autosomal dominant inheritance. Observed: 1 variant allele, 1 heterozygote.
Comment: This missense variant replaces alanine with threonine at codon 162 of the FBN1 protein. Computational prediction tool is inconclusive regarding the impact of this variant on protein structure and function (internally defined REVEL score threshold 0.5 < inconclusive < 0.7, PMID: 27666373). Splice site prediction tools suggest that this variant may not impact RNA splicing. To our knowledge, functional studies have not been performed for this variant. This variant has not been reported in individuals affected with cardiovascular disorders in the literature. This variant has been identified in 1/31398 chromosomes in the general population by the Genome Aggregation Database (gnomAD). The available evidence is insufficient to determine the role of this variant in disease conclusively. Therefore, this variant is classified as a Variant of Uncertain Significance.

This study involves interpretation of variants in research participants for the purpose of population health screening. Participant phenotype was not available at the time of variant classification. Additional details can be found in publication PMID: 35346344, PMCID: PMC8962531

Ambry Genetics
Classification: Uncertain significance for Familial thoracic aortic aneurysm and aortic dissection. Last evaluated: 2022-12-13. Review status: criteria provided, single submitter. Criteria: Ambry Variant Classification Scheme 2023. Collection method: clinical testing. Allele origin: germline.
Comment: The p.A162T variant (also known as c.484G>A), located in coding exon 5 of the FBN1 gene, results from a G to A substitution at nucleotide position 484. The alanine at codon 162 is replaced by threonine, an amino acid with similar properties, and is located in the EGF-like #03 domain. This alteration has been reported in association with Marfan syndrome (Groth KA et al. Genet. Med., 2017 07;19:772-777). This amino acid position is well conserved in available vertebrate species. In addition, this alteration is predicted to be deleterious by in silico analysis. Since supporting evidence is limited at this time, the clinical significance of this alteration remains unclear.

Literature cited by the submitters: PubMed 27906200 (cited by Women's Health and Genetics/Laboratory Corporation of America, LabCorp and Ambry Genetics); PubMed 31227806 (cited by Ambry Genetics).

NM_000138.5(FBN1):c.484G>A (p.Ala162Thr)

Gene: FBN1 (fibrillin 1; minus strand). Cytogenetic location: 15q21.1.
Variant type: single nucleotide variant.
Coding change: c.484G>A on transcript NM_000138.5 (MANE Select); coding-DNA position 484, G replaced by A.
Protein change: p.Ala162Thr; replaces alanine 162 with threonine.
Molecular consequence: missense variant.
Genome position (GRCh38, 1-based): chr15:48,596,337, C>T on the plus strand (G>A on the coding strand, the complement: FBN1 is on the minus strand). VCF-style: chr15-48596337-C-T. GRCh37 (hg19) VCF-style: chr15-48888534-C-T.
Other names: short protein forms A162T.
Identifiers: ClinVar variation 36083 (VCV000036083.16), dbSNP rs193922210, ClinGen allele CA015441.